The following is an entry in ClinVar:

NM_173660.5(DOK7):c.875C>T (p.Ala292Val)

Gene: DOK7 (docking protein 7; plus strand). Cytogenetic location: 4p16.3.
Variant type: single nucleotide variant.
Coding change: c.875C>T on transcript NM_173660.5 (MANE Select); coding-DNA position 875, C replaced by T.
Protein change: p.Ala292Val; replaces alanine 292 with valine.
Molecular consequence: missense variant. On other transcripts: 3 prime UTR variant (1), 5 prime UTR variant (1).
Genome position (GRCh38, 1-based): chr4:3,492,861, C>T. VCF-style: chr4-3492861-C-T. GRCh37 (hg19) VCF-style: chr4-3494588-C-T.
Other names: c.*96C>T (NM_001164673.2); c.-56C>T (NM_001256896.2); c.875C>T, p.Ala292Val (NM_001301071.2); c.443C>T, p.Ala148Val (NM_001363811.2); short protein forms A148V, A292V.
Identifiers: ClinVar variation 1407729 (VCV001407729.7), dbSNP rs761676338, ClinGen allele CA2829267.

ClinVar aggregate classification (germline): Uncertain significance (1 of 4 stars; one submission).

Conditions:
Congenital myasthenic syndrome 10. Also called: Myasthenia, limb-girdle, familial. Identifiers: Orphanet 590, MedGen C1850792, MONDO:0009690, OMIM 254300.
Fetal akinesia deformation sequence 1 (FADS1). Also called: Pena-Shokeir syndrome type I; Fetal akinesia sequence. Identifiers: Orphanet 994, MedGen C1276035, MONDO:0100101, OMIM 208150, HP:0001989.

Allele frequency attached by ClinVar (database versions not stated): ExAC 0.00001; gnomAD exomes 0.00001.
gnomAD v4.1: 4 of 1,609,500 alleles (0.00025%); highest among the groups gnomAD compares: Admixed American, 0.005%; no homozygotes.

Submission:

Labcorp Genetics (formerly Invitae), Labcorp
Classification: Uncertain significance for Congenital myasthenic syndrome 10; Fetal akinesia deformation sequence 1. Last evaluated: 2023-12-03. Review status: criteria provided, single submitter. Criteria: Invitae Variant Classification Sherloc (09022015). Collection method: clinical testing. Allele origin: germline.
Comment: This sequence change replaces alanine, which is neutral and non-polar, with valine, which is neutral and non-polar, at codon 292 of the DOK7 protein (p.Ala292Val). The frequency data for this variant in the population databases is considered unreliable, as metrics indicate poor data quality at this position in the gnomAD database. This variant has not been reported in the literature in individuals affected with DOK7-related conditions. ClinVar contains an entry for this variant (Variation ID: 1407729). An algorithm developed to predict the effect of missense changes on protein structure and function (PolyPhen-2) suggests that this variant¬†is likely to be tolerated. In summary, the available evidence is currently insufficient to determine the role of this variant in disease. Therefore, it has been classified as a Variant of Uncertain Significance.